The following is an entry in ClinVar:

ClinVar aggregate classification (germline): Uncertain significance (1 of 4 stars; one submission).

Conditions:
Li-Ghorbani-Weisz-Hubshman syndrome. Identifiers: MedGen C5436525, MONDO:0033547, OMIM 618974.

Submission:

Neuberg Centre For Genomic Medicine, NCGM
Classification: Uncertain significance for Li-Ghorbani-Weisz-Hubshman syndrome. Last evaluated: 2023-05-20. Review status: criteria provided, single submitter. Criteria: ACMG Guidelines, 2015. Collection method: clinical testing. Allele origin: germline. Inheritance: Autosomal dominant inheritance. Affected: yes.
Comment: The observed missense c.670C>T(p.Arg224Cys) variant in KAT8 gene has not been reported previously as a pathogenic variant nor as a benign variant, to our knowledge. This variant is reported with the allele frequency of 0.0008% in the gnomAD Exomes. The amino acid Arg at position 224 is changed to a Cys changing protein sequence and it might alter its composition and physico-chemical properties. The amino acid change p.Arg224Cys in KAT8 is predicted as conserved by GERP++ and PhyloP across 100 vertebrates. Multiple lines of computational evidence (Polyphen - Benign, SIFT - Damaging, and MutationTaster - Disease causing) predict a damaging effect on protein structure and function for this variant. For these reasons, this variant has been classified as Uncertain Significance.

NM_032188.3(KAT8):c.670C>T (p.Arg224Cys)

Gene: KAT8 (lysine acetyltransferase 8; plus strand). Cytogenetic location: 16p11.2.
Variant type: single nucleotide variant.
Coding change: c.670C>T on transcript NM_032188.3 (MANE Select); coding-DNA position 670, C replaced by T.
Protein change: p.Arg224Cys; replaces arginine 224 with cysteine.
Molecular consequence: missense variant.
Genome position (GRCh38, 1-based): chr16:31,127,342, C>T. VCF-style: chr16-31127342-C-T. GRCh37 (hg19) VCF-style: chr16-31138663-C-T.
Other names: c.670C>T, p.Arg224Cys (NM_182958.4); short protein forms R224C.
Identifiers: ClinVar variation 3367119 (VCV003367119.1).